The following is an entry in ClinVar:

ClinVar aggregate classification (germline): Uncertain significance (1 of 4 stars; one submission).

Submission:

Labcorp Genetics (formerly Invitae), Labcorp
Classification: Uncertain significance. Last evaluated: 2021-04-23. Review status: criteria provided, single submitter. Criteria: Invitae Variant Classification Sherloc (09022015). Collection method: clinical testing. Allele origin: germline.
Comment: In summary, the available evidence is currently insufficient to determine the role of this variant in disease. Therefore, it has been classified as a Variant of Uncertain Significance. Experimental studies and prediction algorithms are not available or were not evaluated, and the functional significance of this variant is currently unknown. This variant has not been reported in the literature in individuals with HTT-related conditions. This variant is not present in population databases (ExAC no frequency). This sequence change replaces glutamine with glutamic acid at codon 2742 of the HTT protein (p.Gln2742Glu). The glutamine residue is highly conserved and there is a small physicochemical difference between glutamine and glutamic acid.

NM_001388492.1(HTT):c.8218C>G (p.Gln2740Glu)

Gene: HTT (huntingtin; plus strand). Cytogenetic location: 4p16.3.
Variant type: single nucleotide variant.
Coding change: c.8218C>G on transcript NM_001388492.1 (MANE Select); coding-DNA position 8218, C replaced by G.
Protein change: p.Gln2740Glu; replaces glutamine 2740 with glutamic acid.
Molecular consequence: missense variant.
Genome position (GRCh38, 1-based): chr4:3,229,995, C>G. VCF-style: chr4-3229995-C-G. GRCh37 (hg19) VCF-style: chr4-3231722-C-G.
Other names: c.8224C>G, p.Gln2742Glu (NM_002111.8); short protein forms Q2740E, Q2742E.
Identifiers: ClinVar variation 1423509 (VCV001423509.6), dbSNP rs1578611760, ClinGen allele CA356100175.